The following is an entry in ClinVar:

ClinVar aggregate classification (germline): Uncertain significance. Review status: criteria provided, multiple submitters, no conflicts (2 of 4 stars). 2 submissions from 2 submitters: Uncertain significance (2). Last evaluated 2024-08-19.

Conditions:
Hereditary nonpolyposis colorectal neoplasms. Identifiers: MedGen C0009405, MeSH D003123.
Hereditary cancer-predisposing syndrome. Also called: Hereditary neoplastic syndrome; Hereditary Cancer Syndrome; Neoplastic Syndromes, Hereditary; Tumor predisposition. Identifiers: Orphanet 140162, MedGen C0027672, MeSH D009386, MONDO:0015356.

Submissions (2):

Ambry Genetics
Classification: Uncertain significance for Hereditary cancer-predisposing syndrome. Last evaluated: 2024-08-19. Review status: criteria provided, single submitter. Criteria: Ambry Variant Classification Scheme 2023. Collection method: clinical testing. Allele origin: germline.
Comment: The p.T1243K variant (also known as c.3728C>A), located in coding exon 8 of the MSH6 gene, results from a C to A substitution at nucleotide position 3728. The threonine at codon 1243 is replaced by lysine, an amino acid with similar properties. This amino acid position is conserved. In addition, this alteration is predicted to be deleterious by in silico analysis. Based on the available evidence, the clinical significance of this variant remains unclear.

Labcorp Genetics (formerly Invitae), Labcorp
Classification: Uncertain significance for Hereditary nonpolyposis colorectal neoplasms. Last evaluated: 2016-01-20. Review status: criteria provided, single submitter. Criteria: Invitae Variant Classification Sherloc (09022015). Collection method: clinical testing. Allele origin: germline.
Comment: Algorithms developed to predict the effect of missense changes on protein structure and function (SIFT, PolyPhen-2, Align-GVGD) all suggest that this variant is likely to be disruptive, but these predictions have not been confirmed by published functional studies. This variant is not present in population databases (ExAC no frequency) and has not been reported in the literature in individuals with a MSH6-related disease. This sequence change replaces threonine with lysine at codon 1243 of the MSH6 protein (p.Thr1243Lys). The threonine residue is highly conserved and there is a moderate physicochemical difference between threonine and lysine. In summary, this is a novel missense change with uncertain impact on protein function. It has been classified as a Variant of Uncertain Significance.

NM_000179.3(MSH6):c.3728C>A (p.Thr1243Lys)

Gene: MSH6 (mutS homolog 6; plus strand). Cytogenetic location: 2p16.3.
Variant type: single nucleotide variant.
Coding change: c.3728C>A on transcript NM_000179.3 (MANE Select); coding-DNA position 3728, C replaced by A.
Protein change: p.Thr1243Lys; replaces threonine 1243 with lysine.
Molecular consequence: missense variant.
Genome position (GRCh38, 1-based): chr2:47,806,285, C>A. VCF-style: chr2-47806285-C-A. GRCh37 (hg19) VCF-style: chr2-48033424-C-A.
Other names: c.3338C>A, p.Thr1113Lys (NM_001281492.2); c.2822C>A, p.Thr941Lys (NM_001281493.2, NM_001281494.2); short protein forms T1243K, T1113K, T941K.
Identifiers: ClinVar variation 237196 (VCV000237196.11), dbSNP rs878853737, ClinGen allele CA10582088.